The following is an entry in ClinVar:

NM_001378457.1(DMXL2):c.3922A>G (p.Arg1308Gly)

Gene: DMXL2 (Dmx like 2; minus strand). Cytogenetic location: 15q21.2.
Variant type: single nucleotide variant.
Coding change: c.3922A>G on transcript NM_001378457.1 (MANE Select); coding-DNA position 3922, A replaced by G.
Protein change: p.Arg1308Gly; replaces arginine 1308 with glycine.
Molecular consequence: missense variant. On other transcripts: non-coding transcript variant (2), intron variant (2).
Genome position (GRCh38, 1-based): chr15:51,499,302, T>C on the plus strand (A>G on the coding strand, the complement: DMXL2 is on the minus strand). VCF-style: chr15-51499302-T-C. GRCh37 (hg19) VCF-style: chr15-51791499-T-C.
Other names: c.3922A>G, p.Arg1308Gly (NM_001174116.3, NM_001378458.1, NM_001378459.1 and 4 more transcripts); c.3682A>G, p.Arg1228Gly (NM_001378464.1); c.2765-7555A>G (NM_001378460.1); c.2765-4168A>G (NM_001174117.3); c.3922A>G (NM_001174116.1); short protein forms R1228G, R1308G.
Identifiers: ClinVar variation 1437987 (VCV001437987.5), dbSNP rs779889954, ClinGen allele CA7562089.

ClinVar aggregate classification (germline): Uncertain significance. Review status: criteria provided, multiple submitters, no conflicts (2 of 4 stars). 2 submissions from 2 submitters: Uncertain significance (2). Last evaluated 2026-03-06.

Conditions:
DMXL2-related disorder. Also called: DMXL2-related condition.

Allele frequency attached by ClinVar (database versions not stated): gnomAD 0.00001; gnomAD exomes 0.00001 and 0.00004; TOPMed 0.00001; ExAC 0.00003.
gnomAD v4.1: 19 of 1,613,862 alleles (0.0012%); highest among the groups gnomAD compares: Middle Eastern, 0.016%; no homozygotes.

Submissions (2):

PreventionGenetics, part of Exact Sciences
Classification: Uncertain significance for DMXL2-related condition. Last evaluated: 2026-03-06. Review status: criteria provided, single submitter. Criteria: ACMG Guidelines, 2015. Collection method: clinical testing. Allele origin: germline.
Comment: The DMXL2 c.3922A>G variant is predicted to result in the amino acid substitution p.Arg1308Gly. To our knowledge, this variant has not been reported in the literature. This variant is reported in 0.017% of alleles in individuals of Latino descent in gnomAD. At this time, the clinical significance of this variant is uncertain due to the absence of conclusive functional and genetic evidence.

Labcorp Genetics (formerly Invitae), Labcorp
Classification: Uncertain significance. Last evaluated: 2024-01-15. Review status: criteria provided, single submitter. Criteria: Invitae Variant Classification Sherloc (09022015). Collection method: clinical testing. Allele origin: germline.
Comment: This sequence change replaces arginine, which is basic and polar, with glycine, which is neutral and non-polar, at codon 1308 of the DMXL2 protein (p.Arg1308Gly). This variant is present in population databases (rs779889954, gnomAD 0.02%). This variant has not been reported in the literature in individuals affected with DMXL2-related conditions. ClinVar contains an entry for this variant (Variation ID: 1437987). An algorithm developed to predict the effect of missense changes on protein structure and function (PolyPhen-2) suggests that this variant is likely to be disruptive. In summary, the available evidence is currently insufficient to determine the role of this variant in disease. Therefore, it has been classified as a Variant of Uncertain Significance.